The following is an entry in ClinVar:

ClinVar aggregate classification (germline): Likely benign. Review status: criteria provided, multiple submitters, no conflicts (2 of 4 stars). 2 submissions from 2 submitters: Likely benign (2). Last evaluated 2024-11-19.

Allele frequency attached by ClinVar (database versions not stated): gnomAD 0.00001; gnomAD exomes 0.00001; TOPMed 0.00001.
gnomAD v4.1: 12 of 1,614,100 alleles (0.00074%); highest among the groups gnomAD compares: Middle Eastern, 0.016%; no homozygotes.

Submissions (2):

Mayo Clinic Laboratories, Mayo Clinic
Classification: Likely benign. Last evaluated: 2024-11-19. Review status: criteria provided, single submitter. Criteria: ACMG Guidelines, 2015. Collection method: clinical testing. Allele origin: germline. Observed: 1 variant allele.
Comment: BP4, BP7

Labcorp Genetics (formerly Invitae), Labcorp
Classification: Likely benign. Last evaluated: 2024-10-17. Review status: criteria provided, single submitter. Criteria: Invitae Variant Classification Sherloc (09022015). Collection method: clinical testing. Allele origin: germline.

NM_015378.4(VPS13D):c.8148C>T (p.Ile2716=)

Gene: VPS13D (vacuolar protein sorting 13 homolog D; plus strand). Cytogenetic location: 1p36.22.
Variant type: single nucleotide variant.
Coding change: c.8148C>T on transcript NM_015378.4 (MANE Select); coding-DNA position 8148, C replaced by T.
Protein change: p.Ile2716=; no amino-acid change (isoleucine 2716 retained).
Molecular consequence: synonymous variant.
Genome position (GRCh38, 1-based): chr1:12,327,805, C>T. VCF-style: chr1-12327805-C-T. GRCh37 (hg19) VCF-style: chr1-12387862-C-T.
Other names: p.Ile2716=; c.8148C>T, p.Ile2716= (NM_018156.4).
Identifiers: ClinVar variation 3017866 (VCV003017866.4), dbSNP rs1331692963, ClinGen allele CA416126190.